The following is an entry in ClinVar:

ClinVar aggregate classification (germline): Uncertain significance (1 of 4 stars; one submission).

Allele frequency attached by ClinVar (database versions not stated): ExAC 0.00001.
gnomAD v4.1: 1 of 1,607,724 alleles (0.000062%); highest among the groups gnomAD compares: East Asian, 0.0022%; no homozygotes.

Submission:

Labcorp Genetics (formerly Invitae), Labcorp
Classification: Uncertain significance. Last evaluated: 2022-03-07. Review status: criteria provided, single submitter. Criteria: Invitae Variant Classification Sherloc (09022015). Collection method: clinical testing. Allele origin: germline.
Comment: In summary, the available evidence is currently insufficient to determine the role of this variant in disease. Therefore, it has been classified as a Variant of Uncertain Significance. Algorithms developed to predict the effect of missense changes on protein structure and function are either unavailable or do not agree on the potential impact of this missense change (SIFT: "Deleterious"; PolyPhen-2: "Benign"; Align-GVGD: "Class C0"). ClinVar contains an entry for this variant (Variation ID: 1045202). This variant has not been reported in the literature in individuals affected with MSH3-related conditions. This variant is not present in population databases (gnomAD no frequency). This sequence change replaces threonine, which is neutral and polar, with isoleucine, which is neutral and non-polar, at codon 540 of the MSH3 protein (p.Thr540Ile).

NM_002439.5(MSH3):c.1619C>T (p.Thr540Ile)

Gene: MSH3 (mutS homolog 3; plus strand). Cytogenetic location: 5q14.1.
Variant type: single nucleotide variant.
Coding change: c.1619C>T on transcript NM_002439.5 (MANE Select); coding-DNA position 1619, C replaced by T.
Protein change: p.Thr540Ile; replaces threonine 540 with isoleucine.
Molecular consequence: missense variant.
Genome position (GRCh38, 1-based): chr5:80,741,514, C>T. VCF-style: chr5-80741514-C-T. GRCh37 (hg19) VCF-style: chr5-80037333-C-T.
Other names: short protein forms T540I.
Identifiers: ClinVar variation 1045202 (VCV001045202.8), dbSNP rs755593955, ClinGen allele CA3327983.